The following is an entry in ClinVar:

ClinVar aggregate classification (germline): Uncertain significance. Review status: criteria provided, multiple submitters, no conflicts (2 of 4 stars). 4 submissions from 4 submitters: Uncertain significance (4). Last evaluated 2025-11-22.

Conditions:
Cardiovascular phenotype. Identifiers: MedGen CN230736.
Dilated cardiomyopathy 1DD (CMD1DD). Identifiers: Orphanet 154, MedGen C2750995, MONDO:0013168, OMIM 613172.

Allele frequency attached by ClinVar (database versions not stated): gnomAD 0.00001; TOPMed 0.00001; gnomAD exomes 0.00002; ExAC 0.00010.
gnomAD v4.1: 28 of 1,517,688 alleles (0.0018%); highest among the groups gnomAD compares: Non-Finnish European, 0.0024%; no homozygotes.

Submissions (4):

Labcorp Genetics (formerly Invitae), Labcorp
Classification: Uncertain significance for Dilated cardiomyopathy 1DD. Last evaluated: 2025-11-22. Review status: criteria provided, single submitter. Criteria: Invitae Variant Classification Sherloc (09022015). Collection method: clinical testing. Allele origin: germline.
Comment: This sequence change replaces alanine, which is neutral and non-polar, with threonine, which is neutral and polar, at codon 6 of the RBM20 protein (p.Ala6Thr). The frequency data for this variant in the population databases is considered unreliable, as metrics indicate poor data quality at this position in the gnomAD database. This variant has not been reported in the literature in individuals affected with RBM20-related conditions. ClinVar contains an entry for this variant (Variation ID: 1302239). Invitae Evidence Modeling of protein sequence and biophysical properties (such as structural, functional, and spatial information, amino acid conservation, physicochemical variation, residue mobility, and thermodynamic stability) indicates that this missense variant is not expected to disrupt RBM20 protein function with a negative predictive value of 95%. In summary, the available evidence is currently insufficient to determine the role of this variant in disease. Therefore, it has been classified as a Variant of Uncertain Significance.

Ambry Genetics
Classification: Uncertain significance for Cardiovascular phenotype. Last evaluated: 2024-09-23. Review status: criteria provided, single submitter. Criteria: Ambry Variant Classification Scheme 2023. Collection method: clinical testing. Allele origin: germline.
Comment: The p.A6T variant (also known as c.16G>A), located in coding exon 1 of the RBM20 gene, results from a G to A substitution at nucleotide position 16. The alanine at codon 6 is replaced by threonine, an amino acid with similar properties. This amino acid position is conserved. In addition, the in silico prediction for this alteration is inconclusive. Since supporting evidence is limited at this time, the clinical significance of this alteration remains unclear.

GeneDx
Classification: Uncertain significance. Last evaluated: 2024-03-14. Review status: criteria provided, single submitter. Criteria: GeneDx Variant Classification Process June 2021. Collection method: clinical testing. Allele origin: germline. Affected: yes.
Comment: Has not been previously published as pathogenic or benign to our knowledge; Not observed at significant frequency in large population cohorts (gnomAD); In silico analysis supports that this missense variant does not alter protein structure/function

Fulgent Genetics
Classification: Uncertain significance for Dilated cardiomyopathy 1DD. Last evaluated: 2021-08-23. Review status: criteria provided, single submitter. Criteria: ACMG Guidelines, 2015. Collection method: clinical testing. Allele origin: unknown.

NM_001134363.3(RBM20):c.16G>A (p.Ala6Thr)

Gene: RBM20 (RNA binding motif protein 20; plus strand). Cytogenetic location: 10q25.2.
Variant type: single nucleotide variant.
Coding change: c.16G>A on transcript NM_001134363.3 (MANE Select); coding-DNA position 16, G replaced by A.
Protein change: p.Ala6Thr; replaces alanine 6 with threonine.
Molecular consequence: missense variant.
Genome position (GRCh38, 1-based): chr10:110,644,470, G>A. VCF-style: chr10-110644470-G-A. GRCh37 (hg19) VCF-style: chr10-112404228-G-A.
Other names: short protein forms A6T.
Identifiers: ClinVar variation 1302239 (VCV001302239.13), dbSNP rs758772050, ClinGen allele CA5688484.